The following is an entry in ClinVar:

ClinVar aggregate classification (germline): Pathogenic (1 of 4 stars; one submission).

Submission:

GeneDx
Classification: Pathogenic. Last evaluated: 2024-08-08. Review status: criteria provided, single submitter. Criteria: GeneDx Variant Classification Process June 2021. Collection method: clinical testing. Allele origin: germline. Affected: yes.
Comment: Nonsense variant predicted to result in protein truncation or nonsense mediated decay in a gene for which loss of function is a known mechanism of disease; Has not been previously published as pathogenic or benign to our knowledge

NM_001077415.3(CRELD1):c.399G>A (p.Trp133Ter)

Gene: CRELD1 (cysteine rich with EGF like domains 1; plus strand). Cytogenetic location: 3p25.3.
Variant type: single nucleotide variant.
Coding change: c.399G>A on transcript NM_001077415.3 (MANE Select); coding-DNA position 399, G replaced by A.
Protein change: p.Trp133Ter; replaces tryptophan 133 with a stop codon.
Molecular consequence: nonsense. On other transcripts: non-coding transcript variant (2).
Genome position (GRCh38, 1-based): chr3:9,938,045, G>A. VCF-style: chr3-9938045-G-A. GRCh37 (hg19) VCF-style: chr3-9979729-G-A.
Other names: c.399G>A, p.Trp133Ter (NM_001031717.4, NM_001374316.1, NM_001374317.1 and 5 more transcripts); short protein forms W133*.
Identifiers: ClinVar variation 3603018 (VCV003603018.1).